The following is an entry in ClinVar:

ClinVar aggregate classification (germline): Uncertain significance (1 of 4 stars; one submission).

Conditions:
Pontocerebellar hypoplasia type 1A (PCH1A). Also called: PONTOCEREBELLAR HYPOPLASIA WITH ANTERIOR HORN CELL DISEASE; PONTOCEREBELLAR HYPOPLASIA WITH INFANTILE SPINAL MUSCULAR ATROPHY. Identifiers: Orphanet 2254, Orphanet 88616, MedGen C1843504, MONDO:0011866, OMIM 607596.

Allele frequency attached by ClinVar (database versions not stated): gnomAD 0.00001; TOPMed 0.00001.
gnomAD v4.1: 2 of 1,613,398 alleles (0.00012%); highest among the groups gnomAD compares: Non-Finnish European, 0.00017%; no homozygotes.

Submission:

Labcorp Genetics (formerly Invitae), Labcorp
Classification: Uncertain significance for Pontocerebellar hypoplasia type 1A. Last evaluated: 2019-09-05. Review status: criteria provided, single submitter. Criteria: Invitae Variant Classification Sherloc (09022015). Collection method: clinical testing. Allele origin: germline.
Comment: In summary, the available evidence is currently insufficient to determine the role of this variant in disease. Therefore, it has been classified as a Variant of Uncertain Significance. Algorithms developed to predict the effect of missense changes on protein structure and function are either unavailable or do not agree on the potential impact of this missense change (SIFT: "Tolerated"; PolyPhen-2: "Possibly Damaging"; Align-GVGD: "Class C0"). This variant has not been reported in the literature in individuals with VRK1-related conditions. This variant is not present in population databases (ExAC no frequency). This sequence change replaces lysine with arginine at codon 295 of the VRK1 protein (p.Lys295Arg). The lysine residue is moderately conserved and there is a small physicochemical difference between lysine and arginine.

NM_003384.3(VRK1):c.884A>G (p.Lys295Arg)

Gene: VRK1 (VRK serine/threonine kinase 1; plus strand). Cytogenetic location: 14q32.2.
Variant type: single nucleotide variant.
Coding change: c.884A>G on transcript NM_003384.3 (MANE Select); coding-DNA position 884, A replaced by G.
Protein change: p.Lys295Arg; replaces lysine 295 with arginine.
Molecular consequence: missense variant.
Genome position (GRCh38, 1-based): chr14:96,856,581, A>G. VCF-style: chr14-96856581-A-G. GRCh37 (hg19) VCF-style: chr14-97322918-A-G.
Other names: short protein forms K295R.
Identifiers: ClinVar variation 957031 (VCV000957031.9), dbSNP rs1340163417, ClinGen allele CA390931776.